The following is an entry in ClinVar:

ClinVar aggregate classification (germline): Uncertain significance (1 of 4 stars; one submission).

Allele frequency attached by ClinVar (database versions not stated): gnomAD exomes below 0.00001.
gnomAD v4.1: 2 of 1,613,994 alleles (0.00012%); highest among the groups gnomAD compares: Non-Finnish European, 0.00017%; no homozygotes.

Submission:

GeneDx
Classification: Uncertain significance. Last evaluated: 2024-12-10. Review status: criteria provided, single submitter. Criteria: GeneDx Variant Classification Process June 2021. Collection method: clinical testing. Allele origin: germline. Affected: yes.
Comment: Not observed at significant frequency in large population cohorts (gnomAD); In silico analysis indicates that this missense variant does not alter protein structure/function; Has not been previously published as pathogenic or benign to our knowledge

NM_007215.4(POLG2):c.1324T>G (p.Leu442Val)

Genes: MILR1 (mast cell immunoglobulin like receptor 1; plus strand), POLG2 (DNA polymerase gamma 2, accessory subunit; minus strand). Cytogenetic location: 17q23.3.
Variant type: single nucleotide variant.
Coding change: c.1324T>G on transcript NM_007215.4 (MANE Select); coding-DNA position 1324, T replaced by G.
Protein change: p.Leu442Val; replaces leucine 442 with valine.
Molecular consequence: missense variant.
Genome position (GRCh38, 1-based): chr17:64,477,957, A>C on the plus strand (T>G on the coding strand, the complement: POLG2 is on the minus strand). VCF-style: chr17-64477957-A-C. GRCh37 (hg19) VCF-style: chr17-62474074-A-C.
Other names: short protein forms L442V.
Identifiers: ClinVar variation 452769 (VCV000452769.3), dbSNP rs1555665803, ClinGen allele CA400635524.